The following is an entry in ClinVar:

ClinVar aggregate classification (germline): Likely benign. Review status: criteria provided, multiple submitters, no conflicts (2 of 4 stars). 5 submissions from 5 submitters: Likely benign (5). Last evaluated 2026-08-19.

Conditions:
Familial idiopathic hypercalciuria (HCA2). Also called: Hypercalciuria, absorptive, susceptibility to; Hypercalciuria, absorptive, 2. Identifiers: MedGen C0342639, MONDO:0007748, OMIM 143870.
ADCY10-related disorder. Also called: ADCY10-related condition.

Allele frequency attached by ClinVar (database versions not stated): gnomAD 0.00004 and 0.00025; TOPMed 0.00009; gnomAD exomes 0.00055 and 0.00107; 1000 Genomes Project 0.00100; 1000 Genomes Project 30x 0.00109; ExAC 0.00110.
gnomAD v4.1: 836 of 1,614,044 alleles (0.052%); highest among the groups gnomAD compares: South Asian, 0.79%; 9 homozygotes.

Submissions (5):

PreventionGenetics, part of Exact Sciences
Classification: Likely benign for ADCY10-related condition. Last evaluated: 2026-08-19. Review status: criteria provided, single submitter. Criteria: ACMG Guidelines, 2015. Collection method: clinical testing. Allele origin: germline.
Comment: This variant is classified as likely benign based on ACMG/AMP sequence variant interpretation guidelines (Richards et al. 2015 PMID: 25741868, with internal and published modifications).

Ambry Genetics
Classification: Likely benign. Last evaluated: 2025-08-29. Review status: criteria provided, single submitter. Criteria: Ambry Variant Classification Scheme 2023. Collection method: clinical testing. Allele origin: germline.

Labcorp Genetics (formerly Invitae), Labcorp
Classification: Likely benign. Last evaluated: 2025-05-25. Review status: criteria provided, single submitter. Criteria: Invitae Variant Classification Sherloc (09022015). Collection method: clinical testing. Allele origin: germline.

Fulgent Genetics
Classification: Likely benign for Familial idiopathic hypercalciuria. Last evaluated: 2021-08-23. Review status: criteria provided, single submitter. Criteria: ACMG Guidelines, 2015. Collection method: clinical testing. Allele origin: unknown.

Genetic Services Laboratory, University of Chicago
Classification: Likely benign. Last evaluated: 2021-03-19. Review status: criteria provided, single submitter. Criteria: ACMG Guidelines, 2015. Collection method: clinical testing. Allele origin: germline. Affected: no.

NM_018417.6(ADCY10):c.1742G>A (p.Arg581Gln)

Gene: ADCY10 (adenylate cyclase 10; minus strand). Cytogenetic location: 1q24.2.
Variant type: single nucleotide variant.
Coding change: c.1742G>A on transcript NM_018417.6 (MANE Select); coding-DNA position 1742, G replaced by A.
Protein change: p.Arg581Gln; replaces arginine 581 with glutamine.
Molecular consequence: missense variant.
Genome position (GRCh38, 1-based): chr1:167,860,938, C>T on the plus strand (G>A on the coding strand, the complement: ADCY10 is on the minus strand). VCF-style: chr1-167860938-C-T. GRCh37 (hg19) VCF-style: chr1-167830176-C-T.
Other names: c.1742G>A (NM_018417.4); c.1283G>A, p.Arg428Gln (NM_001167749.3); c.1466G>A, p.Arg489Gln (NM_001297772.2); short protein forms R428Q, R489Q, R581Q.
Identifiers: ClinVar variation 708313 (VCV000708313.16), dbSNP rs377634034, ClinGen allele CA1227855.